The following is an entry in ClinVar:

ClinVar aggregate classification (germline): Conflicting classifications of pathogenicity. Review status: criteria provided, conflicting classifications (1 of 4 stars). 11 submissions from 10 submitters: Uncertain significance (10); Likely benign (1). Last evaluated 2026-01-26.

Conditions:
RYR1-related disorder. Also called: RYR1-related condition; RYR1-related disorders. Identifiers: MedGen CN239331.
Malignant hyperthermia, susceptibility to, 1 (MHS1). Also called: Anesthesia related hyperthermia; Malignant hyperpyrexia; Fulminating hyperpyrexia; Pharmacogenic myopathy; RYR1-Related Malignant Hyperthermia Susceptibility; Malignant hyperthermia suceptibility 1. Identifiers: Orphanet 423, MedGen C2930980, MONDO:0007783, OMIM 145600.
Congenital multicore myopathy with external ophthalmoplegia (CMYO1B). Also called: Congenital myopathy 1B, autosomal recessive; Minicore myopathy; MULTICORE MYOPATHY; Minicore myopathy with external ophthalmoplegia; MULTIMINICORE DISEASE WITH EXTERNAL OPHTHALMOPLEGIA. Identifiers: Orphanet 598, Orphanet 98905, MedGen C1850674, MONDO:0009712, OMIM 255320, HP:0003789.

Allele frequency attached by ClinVar (database versions not stated): gnomAD 0.00006; TOPMed 0.00007.
gnomAD v4.1: 210 of 1,556,908 alleles (0.013%); highest among the groups gnomAD compares: Middle Eastern, 0.05%; no homozygotes.

Submissions (11):

Labcorp Genetics (formerly Invitae), Labcorp
Classification: Uncertain significance for RYR1-related disorder. Last evaluated: 2026-01-26. Review status: criteria provided, single submitter. Criteria: Invitae Variant Classification Sherloc (09022015). Collection method: clinical testing. Allele origin: germline.
Comment: This sequence change replaces asparagine, which is neutral and polar, with lysine, which is basic and polar, at codon 1346 of the RYR1 protein (p.Asn1346Lys). This variant is present in population databases (rs777049924, gnomAD 0.02%). This missense change has been observed in individual(s) with central core disease and/or congenital myopathy (PMID: 29382405, 38582058). ClinVar contains an entry for this variant (Variation ID: 290117). Invitae Evidence Modeling of protein sequence and biophysical properties (such as structural, functional, and spatial information, amino acid conservation, physicochemical variation, residue mobility, and thermodynamic stability) indicates that this missense variant is not expected to disrupt RYR1 protein function with a negative predictive value of 95%. In summary, the available evidence is currently insufficient to determine the role of this variant in disease. Therefore, it has been classified as a Variant of Uncertain Significance.

Women's Health and Genetics/Laboratory Corporation of America, LabCorp
Classification: Uncertain significance. Last evaluated: 2025-03-11. Review status: criteria provided, single submitter. Criteria: LabCorp Variant Classification Summary - May 2015. Collection method: clinical testing. Allele origin: germline.
Comment: Variant summary: RYR1 c.4038C>A (p.Asn1346Lys) results in a non-conservative amino acid change in the encoded protein sequence. Four of five in-silico tools predict a benign effect of the variant on protein function. The variant allele was found at a frequency of 9.7e-05 in 154564 control chromosomes. This frequency is not significantly higher than estimated for a pathogenic variant in RYR1 causing Congenital multicore myopathy with external ophthalmoplegia (9.7e-05 vs 0.0011), allowing no conclusion about variant significance. c.4038C>A has been reported in the literature in individuals affected with Congenital multicore myopathy with external ophthalmoplegia (Wu_2018, Clayton_2024). These report(s) do not provide unequivocal conclusions about association of the variant with Congenital multicore myopathy with external ophthalmoplegia. Co-occurrences with other pathogenic variant(s) have been reported (RYR1 c.13220delG, p.Gly4407Valfs*34), providing supporting evidence for a benign role. To our knowledge, no experimental evidence demonstrating an impact on protein function has been reported. The following publications have been ascertained in the context of this evaluation (PMID: 38582058, 29382405). ClinVar contains an entry for this variant (Variation ID: 290117). Based on the evidence outlined above, the variant was classified as uncertain significance.

All of Us Research Program, National Institutes of Health
Classification: Uncertain significance for Malignant hyperthermia, susceptibility to, 1. Last evaluated: 2024-09-23. Review status: criteria provided, single submitter. Criteria: ACMG Guidelines, 2015. Collection method: clinical testing. Allele origin: germline. Inheritance: Autosomal dominant inheritance. Observed: 44 variant alleles, 44 heterozygotes.
Comment: This missense variant replaces asparagine with lysine at codon 1346 of the RYR1 protein. Computational prediction suggests that this variant may not impact protein structure and function (internally defined REVEL score threshold <= 0.5, PMID: 27666373). To our knowledge, functional studies have not been reported for this variant. This variant has been reported in an individual affected with congenital myopathy, who carried a different pathogenic variant in the same gene (PMID: 29382405). This variant has not been reported in an individual with malignant hyperthermia susceptibility in the literature. This variant has been identified in 17/185820 chromosomes in the general population by the Genome Aggregation Database (gnomAD). The available evidence is insufficient to determine the role of this variant in disease conclusively. Therefore, this variant is classified as a Variant of Uncertain Significance.

This study involves interpretation of variants in research participants for the purpose of population health screening. Participant phenotype was not available at the time of variant classification. Additional details can be found in publication PMID: 35346344, PMCID: PMC8962531

Mayo Clinic Laboratories, Mayo Clinic
Classification: Uncertain significance. Last evaluated: 2024-08-27. Review status: criteria provided, single submitter. Criteria: ACMG Guidelines, 2015. Collection method: clinical testing. Allele origin: germline. Observed: 1 variant allele.
Comment: BP2

Color Diagnostics, LLC DBA Color Health
Classification: Uncertain significance for Malignant hyperthermia, susceptibility to, 1. Last evaluated: 2024-03-28. Review status: criteria provided, single submitter. Criteria: ACMG Guidelines, 2015. Collection method: clinical testing. Allele origin: germline.
Comment: This missense variant replaces asparagine with lysine at codon 1346 of the RYR1 protein. Computational prediction suggests that this variant may not impact protein structure and function. To our knowledge, functional studies have not been reported for this variant. This variant has been reported in an individual affected with congenital myopathy, who carried a different pathogenic variant in the same gene (PMID: 29382405). This variant has not been reported in an individual with malignant hyperthermia susceptibility in the literature. This variant has been identified in 17/185820 chromosomes in the general population by the Genome Aggregation Database (gnomAD). The available evidence is insufficient to determine the role of this variant in disease conclusively. Therefore, this variant is classified as a Variant of Uncertain Significance.

Revvity Omics, Revvity
Classification: Uncertain significance. Last evaluated: 2023-12-13. Review status: criteria provided, single submitter. Criteria: ACMG Guidelines, 2015. Collection method: clinical testing. Allele origin: germline.

GeneDx
Classification: Likely benign. Last evaluated: 2020-10-28. Review status: criteria provided, single submitter. Criteria: GeneDx Variant Classification Process June 2021. Collection method: clinical testing. Allele origin: germline. Affected: yes.
Comment: This variant is associated with the following publications: (PMID: 29382405)

Illumina Laboratory Services, Illumina
Classification: Uncertain significance for Malignant hyperthermia, susceptibility to, 1. Last evaluated: 2018-01-13. Review status: criteria provided, single submitter. Criteria: ICSL Variant Classification Criteria 13 December 2019. Collection method: clinical testing. Allele origin: germline.

Illumina Laboratory Services, Illumina
Classification: Uncertain significance for Congenital multicore myopathy with external ophthalmoplegia. Last evaluated: 2018-01-13. Review status: criteria provided, single submitter. Criteria: ICSL Variant Classification Criteria 13 December 2019. Collection method: clinical testing. Allele origin: germline.

PreventionGenetics, part of Exact Sciences
Classification: Uncertain significance. Last evaluated: 2017-05-15. Review status: criteria provided, single submitter. Criteria: ACMG Guidelines, 2015. Collection method: clinical testing. Allele origin: germline.

Eurofins Ntd Llc (ga)
Classification: Uncertain significance. Last evaluated: 2016-08-24. Review status: criteria provided, single submitter. Criteria: EGL Classification Definitions 2015. Collection method: clinical testing. Allele origin: germline. Observed: 1 variant allele, 1 heterozygote.

Literature cited by the submitters: PubMed 29382405 (cited by 5 submitters); PubMed 38582058 (cited by 3 submitters); PubMed 34426522 (cited by Mayo Clinic Laboratories, Mayo Clinic).

NM_000540.3(RYR1):c.4038C>A (p.Asn1346Lys)

Gene: RYR1 (ryanodine receptor 1; plus strand). Cytogenetic location: 19q13.2.
Variant type: single nucleotide variant.
Coding change: c.4038C>A on transcript NM_000540.3 (MANE Select); coding-DNA position 4038, C replaced by A.
Protein change: p.Asn1346Lys; replaces asparagine 1346 with lysine.
Molecular consequence: missense variant.
Genome position (GRCh38, 1-based): chr19:38,473,649, C>A. VCF-style: chr19-38473649-C-A. GRCh37 (hg19) VCF-style: chr19-38964289-C-A.
Other names: p.Asn1346Lys; c.4038C>A, p.Asn1346Lys (NM_001042723.2); short protein forms N1346K.
Identifiers: ClinVar variation 290117 (VCV000290117.35), dbSNP rs777049924, ClinGen allele CA065501.